The following is an entry in ClinVar:

NM_000748.3(CHRNB2):c.1207T>G (p.Phe403Val)

Gene: CHRNB2 (cholinergic receptor nicotinic beta 2 subunit; plus strand). Cytogenetic location: 1q21.3.
Variant type: single nucleotide variant.
Coding change: c.1207T>G on transcript NM_000748.3 (MANE Select); coding-DNA position 1207, T replaced by G.
Protein change: p.Phe403Val; replaces phenylalanine 403 with valine.
Molecular consequence: missense variant.
Genome position (GRCh38, 1-based): chr1:154,572,030, T>G. VCF-style: chr1-154572030-T-G. GRCh37 (hg19) VCF-style: chr1-154544506-T-G.
Other names: short protein forms F403V.
Identifiers: ClinVar variation 859282 (VCV000859282.12), dbSNP rs1166872057, ClinGen allele CA342631698.

ClinVar aggregate classification (germline): Uncertain significance. Review status: criteria provided, multiple submitters, no conflicts (2 of 4 stars). 2 submissions from 2 submitters: Uncertain significance (2). Last evaluated 2026-09-01.

Conditions:
Familial sleep-related hypermotor epilepsy. Also called: Autosomal Dominant Sleep-Related Hypermotor (Hyperkinetic) Epilepsy. Identifiers: Orphanet 98784, MedGen C3696898, MONDO:0000030.

Allele frequency attached by ClinVar (database versions not stated): gnomAD exomes below 0.00001 and 0.00001; gnomAD 0.00001.

Submissions (2):

CeGaT Center for Human Genetics Tuebingen
Classification: Uncertain significance. Last evaluated: 2026-09-01. Review status: criteria provided, single submitter. Criteria: CeGaT Center For Human Genetics Tuebingen Variant Classification Criteria Version 2. Collection method: clinical testing. Allele origin: germline. Affected: yes. Observed: 1 variant allele.
Comment: CHRNB2: PM2

Labcorp Genetics (formerly Invitae), Labcorp
Classification: Uncertain significance. Last evaluated: 2022-07-21. Review status: criteria provided, single submitter. Criteria: Invitae Variant Classification Sherloc (09022015). Collection method: clinical testing. Allele origin: germline.
Comment: In summary, the available evidence is currently insufficient to determine the role of this variant in disease. Therefore, it has been classified as a Variant of Uncertain Significance. Advanced modeling of protein sequence and biophysical properties (such as structural, functional, and spatial information, amino acid conservation, physicochemical variation, residue mobility, and thermodynamic stability) performed at Invitae indicates that this missense variant is not expected to disrupt CHRNB2 protein function. ClinVar contains an entry for this variant (Variation ID: 859282). This variant has not been reported in the literature in individuals affected with CHRNB2-related conditions. This variant is present in population databases (no rsID available, gnomAD 0.002%). This sequence change replaces phenylalanine, which is neutral and non-polar, with valine, which is neutral and non-polar, at codon 403 of the CHRNB2 protein (p.Phe403Val).